The following is an entry in ClinVar:

NM_014264.5(PLK4):c.1358+1G>C

Gene: PLK4 (polo like kinase 4; plus strand). Cytogenetic location: 4q28.1.
Variant type: single nucleotide variant.
Coding change: c.1358+1G>C on transcript NM_014264.5 (MANE Select); the canonical splice donor site of the intron after coding-DNA position 1358, G replaced by C.
Molecular consequence: splice donor variant.
Genome position (GRCh38, 1-based): chr4:127,886,729, G>C. VCF-style: chr4-127886729-G-C. GRCh37 (hg19) VCF-style: chr4-128807884-G-C.
Other names: c.1262+1G>C (NM_001190799.2); c.1235+1G>C (NM_001190801.2).
Identifiers: ClinVar variation 1495735 (VCV001495735.7), dbSNP rs1010560546, ClinGen allele CA105637234.

ClinVar aggregate classification (germline): Likely pathogenic. Review status: criteria provided, multiple submitters, no conflicts (2 of 4 stars). 2 submissions from 2 submitters: Likely pathogenic (2). Last evaluated 2025-10-20.

Allele frequency attached by ClinVar (database versions not stated): TOPMed below 0.00001; gnomAD 0.00001.
gnomAD v4.1: 2 of 1,574,834 alleles (0.00013%); highest among the groups gnomAD compares: African/African-American, 0.0014%; no homozygotes.

Submissions (2):

Labcorp Genetics (formerly Invitae), Labcorp
Classification: Likely pathogenic. Last evaluated: 2025-10-20. Review status: criteria provided, single submitter. Criteria: Invitae Variant Classification Sherloc (09022015). Collection method: clinical testing. Allele origin: germline.
Comment: This sequence change affects a donor splice site in intron 5 of the PLK4 gene. It is expected to disrupt RNA splicing. Variants that disrupt the donor or acceptor splice site typically lead to a loss of protein function (PMID: 16199547), and loss-of-function variants in PLK4 are known to be pathogenic (PMID: 25320347, 30842647). This variant is not present in population databases (gnomAD no frequency). This variant has not been reported in the literature in individuals affected with PLK4-related conditions. ClinVar contains an entry for this variant (Variation ID: 1495735). Algorithms developed to predict the effect of sequence changes on RNA splicing suggest that this variant may disrupt the consensus splice site. In summary, the currently available evidence indicates that the variant is pathogenic, but additional data are needed to prove that conclusively. Therefore, this variant has been classified as Likely Pathogenic.

AiLife Diagnostics
Classification: Likely pathogenic. Last evaluated: 2022-03-24. Review status: criteria provided, single submitter. Criteria: ACMG Guidelines, 2015. Collection method: clinical testing. Allele origin: germline. Affected: yes. Observed: 1 variant allele.

Literature cited by the submitters: PubMed 16199547 (cited by Labcorp Genetics (formerly Invitae), Labcorp); PubMed 25320347 (cited by Labcorp Genetics (formerly Invitae), Labcorp); PubMed 30842647 (cited by Labcorp Genetics (formerly Invitae), Labcorp).